The following is an entry in ClinVar:

ClinVar aggregate classification (germline): Uncertain significance. Review status: criteria provided, multiple submitters, no conflicts (2 of 4 stars). 2 submissions from 2 submitters: Uncertain significance (2). Last evaluated 2025-10-02.

Conditions:
Inborn genetic diseases. Identifiers: MedGen C0950123, MeSH D030342.

gnomAD v4.1: 4 of 1,614,026 alleles (0.00025%); highest among the groups gnomAD compares: Non-Finnish European, 0.00034%; no homozygotes.

Submissions (2):

Ambry Genetics
Classification: Uncertain significance for Inborn genetic diseases. Last evaluated: 2025-10-02. Review status: criteria provided, single submitter. Criteria: Ambry Variant Classification Scheme 2023. Collection method: clinical testing. Allele origin: germline.
Comment: The c.11329G>A (p.E3777K) alteration is located in exon 72 (coding exon 71) of the TRRAP gene. This alteration results from a G to A substitution at nucleotide position 11329, causing the glutamic acid (E) at amino acid position 3777 to be replaced by a lysine (K). Based on data from gnomAD, the A allele has an overall frequency of <0.001% (1/251450) total alleles studied. The highest observed frequency was 0.001% (1/113752) of European (non-Finnish) alleles. Based on insufficient or conflicting evidence, the clinical significance of this alteration remains unclear.

Labcorp Genetics (formerly Invitae), Labcorp
Classification: Uncertain significance. Last evaluated: 2025-08-23. Review status: criteria provided, single submitter. Criteria: Invitae Variant Classification Sherloc (09022015). Collection method: clinical testing. Allele origin: germline.
Comment: This sequence change replaces glutamic acid, which is acidic and polar, with lysine, which is basic and polar, at codon 3748 of the TRRAP protein (p.Glu3748Lys). This variant is present in population databases (rs377650128, gnomAD 0.0009%). This variant has not been reported in the literature in individuals affected with TRRAP-related conditions. Invitae Evidence Modeling of protein sequence and biophysical properties (such as structural, functional, and spatial information, amino acid conservation, physicochemical variation, residue mobility, and thermodynamic stability) indicates that this missense variant is expected to disrupt TRRAP protein function with a positive predictive value of 80%. In summary, the available evidence is currently insufficient to determine the role of this variant in disease. Therefore, it has been classified as a Variant of Uncertain Significance.

NM_001375524.1(TRRAP):c.11371G>A (p.Glu3791Lys)

Gene: TRRAP (transformation/transcription domain associated protein; plus strand). Cytogenetic location: 7q22.1.
Variant type: single nucleotide variant.
Coding change: c.11371G>A on transcript NM_001375524.1 (MANE Select); coding-DNA position 11371, G replaced by A.
Protein change: p.Glu3791Lys; replaces glutamic acid 3791 with lysine.
Molecular consequence: missense variant.
Genome position (GRCh38, 1-based): chr7:99,012,104, G>A. VCF-style: chr7-99012104-G-A. GRCh37 (hg19) VCF-style: chr7-98609727-G-A.
Other names: c.11329G>A, p.Glu3777Lys (NM_001244580.2); c.11242G>A, p.Glu3748Lys (NM_003496.4); short protein forms E3748K, E3777K, E3791K.
Identifiers: ClinVar variation 4633780 (VCV004633780.2).